The following is an entry in ClinVar:

NM_004946.3(DOCK2):c.4393G>C (p.Glu1465Gln)

Gene: DOCK2 (dedicator of cytokinesis 2; plus strand). Cytogenetic location: 5q35.1.
Variant type: single nucleotide variant.
Coding change: c.4393G>C on transcript NM_004946.3 (MANE Select); coding-DNA position 4393, G replaced by C.
Protein change: p.Glu1465Gln; replaces glutamic acid 1465 with glutamine.
Molecular consequence: missense variant. On other transcripts: non-coding transcript variant (1).
Genome position (GRCh38, 1-based): chr5:170,057,592, G>C. VCF-style: chr5-170057592-G-C. GRCh37 (hg19) VCF-style: chr5-169484596-G-C.
Other names: short protein forms E1465Q.
Identifiers: ClinVar variation 862059 (VCV000862059.9), dbSNP rs1757176924, ClinGen allele CA362110895.

ClinVar aggregate classification (germline): Uncertain significance (1 of 4 stars; one submission).

Conditions:
DOCK2 deficiency. Also called: Immunodeficiency 40. Identifiers: Orphanet 447737, MedGen C4225328, MONDO:0014637, OMIM 616433.

Allele frequency attached by ClinVar (database versions not stated): gnomAD exomes below 0.00001.
gnomAD v4.1: 5 of 1,614,138 alleles (0.00031%); highest among the groups gnomAD compares: Non-Finnish European, 0.00042%; no homozygotes.

Submission:

Labcorp Genetics (formerly Invitae), Labcorp
Classification: Uncertain significance for DOCK2 deficiency. Last evaluated: 2019-11-27. Review status: criteria provided, single submitter. Criteria: Invitae Variant Classification Sherloc (09022015). Collection method: clinical testing. Allele origin: germline.
Comment: In summary, the available evidence is currently insufficient to determine the role of this variant in disease. Therefore, it has been classified as a Variant of Uncertain Significance. Algorithms developed to predict the effect of missense changes on protein structure and function are either unavailable or do not agree on the potential impact of this missense change (SIFT: "Tolerated"; PolyPhen-2: "Probably Damaging"; Align-GVGD: "Class C0"). This variant has not been reported in the literature in individuals with DOCK2-related conditions. This variant is not present in population databases (ExAC no frequency). This sequence change replaces glutamic acid with glutamine at codon 1465 of the DOCK2 protein (p.Glu1465Gln). The glutamic acid residue is highly conserved and there is a small physicochemical difference between glutamic acid and glutamine.